The following is an entry in ClinVar:

ClinVar aggregate classification (germline): Uncertain significance (1 of 4 stars; one submission).

Allele frequency attached by ClinVar (database versions not stated): gnomAD exomes 0.00001; gnomAD 0.00001; ExAC 0.00002.

Submission:

Labcorp Genetics (formerly Invitae), Labcorp
Classification: Uncertain significance. Last evaluated: 2025-02-24. Review status: criteria provided, single submitter. Criteria: Invitae Variant Classification Sherloc (09022015). Collection method: clinical testing. Allele origin: germline.
Comment: This sequence change replaces threonine, which is neutral and polar, with isoleucine, which is neutral and non-polar, at codon 323 of the TUBB1 protein (p.Thr323Ile). This variant is present in population databases (rs757789916, gnomAD 0.009%). This variant has not been reported in the literature in individuals affected with TUBB1-related conditions. ClinVar contains an entry for this variant (Variation ID: 2131249). Invitae Evidence Modeling of protein sequence and biophysical properties (such as structural, functional, and spatial information, amino acid conservation, physicochemical variation, residue mobility, and thermodynamic stability) indicates that this missense variant is not expected to disrupt TUBB1 protein function with a negative predictive value of 80%. In summary, the available evidence is currently insufficient to determine the role of this variant in disease. Therefore, it has been classified as a Variant of Uncertain Significance.

NM_030773.4(TUBB1):c.968C>T (p.Thr323Ile)

Gene: TUBB1 (tubulin beta 1 class VI; plus strand). Cytogenetic location: 20q13.32.
Variant type: single nucleotide variant.
Coding change: c.968C>T on transcript NM_030773.4 (MANE Select); coding-DNA position 968, C replaced by T.
Protein change: p.Thr323Ile; replaces threonine 323 with isoleucine.
Molecular consequence: missense variant.
Genome position (GRCh38, 1-based): chr20:59,024,395, C>T. VCF-style: chr20-59024395-C-T. GRCh37 (hg19) VCF-style: chr20-57599450-C-T.
Other names: short protein forms T323I.
Identifiers: ClinVar variation 2131249 (VCV002131249.4), dbSNP rs757789916, ClinGen allele CA9928630.